The following is an entry in ClinVar:

NM_207341.4(ZP1):c.1660C>T (p.Arg554Ter)

Gene: ZP1 (zona pellucida glycoprotein 1; plus strand). Cytogenetic location: 11q12.2.
Variant type: single nucleotide variant.
Coding change: c.1660C>T on transcript NM_207341.4 (MANE Select); coding-DNA position 1660, C replaced by T.
Protein change: p.Arg554Ter; replaces arginine 554 with a stop codon.
Molecular consequence: nonsense.
Genome position (GRCh38, 1-based): chr11:60,875,134, C>T. VCF-style: chr11-60875134-C-T. GRCh37 (hg19) VCF-style: chr11-60642607-C-T.
Other names: c.781C>T, p.Arg261Ter (NM_001391943.1); c.466C>T, p.Arg156Ter (NM_001391944.1); short protein forms R156*, R261*, R554*.
Identifiers: ClinVar variation 4855416 (VCV004855416.1).

ClinVar aggregate classification (germline): Likely pathogenic (1 of 4 stars; one submission).

Conditions:
Female infertility due to zona pellucida defect (OZEMA1). Also called: Oocyte maturation defect 1; OOCYTE/ZYGOTE/EMBRYO MATURATION ARREST 1. Identifiers: Orphanet 404466, MedGen C4014291, MONDO:0014342, OMIM 615774.

gnomAD v4.1: 55 of 1,613,736 alleles (0.0034%); highest among the groups gnomAD compares: Non-Finnish European, 0.004%; no homozygotes.

Submission:

3billion
Classification: Likely pathogenic for Female infertility due to zona pellucida defect. Last evaluated: 2025-11-28. Review status: criteria provided, single submitter. Criteria: ACMG Guidelines, 2015. Collection method: clinical testing. Allele origin: germline. Affected: yes.
Comment: The variant is observed at an extremely low frequency in the gnomAD v4.1.0 dataset (total allele frequency: 0.003%). Predicted Consequence/Location: Stop-gained (nonsense): predicted to result in a loss or disruption of normal protein function through nonsense-mediated decay (NMD) or protein truncation. Multiple pathogenic variants are reported downstream of the variant. Therefore, this variant is classified as Likely pathogenic according to the recommendation of ACMG/AMP guideline.